The following is an entry in ClinVar:

NM_018671.5(UNC45A):c.2304-6C>G

Genes: RCCD1-AS1 (RCCD1 and UNC45A antisense RNA 1; minus strand), UNC45A (unc-45 myosin chaperone A; plus strand). Cytogenetic location: 15q26.1.
Variant type: single nucleotide variant.
Coding change: c.2304-6C>G on transcript NM_018671.5 (MANE Select); 6 bases into the intron before coding-DNA position 2304, C replaced by G.
Molecular consequence: intron variant. On other transcripts: non-coding transcript variant (1).
Genome position (GRCh38, 1-based): chr15:90,952,923, C>G. VCF-style: chr15-90952923-C-G. GRCh37 (hg19) VCF-style: chr15-91496153-C-G.
Other names: c.2259-6C>G (NM_001039675.2, NM_001323621.2); c.2304-6C>G (NM_001323619.1); c.1869-6C>G (NM_001323620.2).
Identifiers: ClinVar variation 2054598 (VCV002054598.5), dbSNP rs750219731, ClinGen allele CA7743265.

ClinVar aggregate classification (germline): Likely benign. Review status: criteria provided, multiple submitters, no conflicts (2 of 4 stars). 2 submissions from 2 submitters: Likely benign (2). Last evaluated 2026-04-22.

Conditions:
UNC45A-related disorder. Also called: UNC45A-related condition.

Allele frequency attached by ClinVar (database versions not stated): gnomAD 0.00001; ExAC 0.00008.
gnomAD v4.1: 36 of 1,611,734 alleles (0.0022%); highest among the groups gnomAD compares: South Asian, 0.036%; no homozygotes.

Submissions (2):

PreventionGenetics, part of Exact Sciences
Classification: Likely benign for UNC45A-related condition. Last evaluated: 2026-04-22. Review status: criteria provided, single submitter. Criteria: ACMG Guidelines, 2015. Collection method: clinical testing. Allele origin: germline.
Comment: This variant is classified as likely benign based on ACMG/AMP sequence variant interpretation guidelines (Richards et al. 2015 PMID: 25741868, with internal and published modifications).

Labcorp Genetics (formerly Invitae), Labcorp
Classification: Likely benign. Last evaluated: 2024-08-13. Review status: criteria provided, single submitter. Criteria: Invitae Variant Classification Sherloc (09022015). Collection method: clinical testing. Allele origin: germline.